The following is an entry in ClinVar:

NM_006015.6(ARID1A):c.2988+1G>A

Gene: ARID1A (AT-rich interaction domain 1A; plus strand). Cytogenetic location: 1p36.11.
Variant type: single nucleotide variant.
Coding change: c.2988+1G>A on transcript NM_006015.6 (MANE Select); the canonical splice donor site of the intron after coding-DNA position 2988, G replaced by A.
Molecular consequence: splice donor variant.
Genome position (GRCh38, 1-based): chr1:26,766,567, G>A. VCF-style: chr1-26766567-G-A. GRCh37 (hg19) VCF-style: chr1-27093058-G-A.
Other names: c.2988+1G>A (NM_139135.4).
Identifiers: ClinVar variation 280918 (VCV000280918.2), dbSNP rs886042036, ClinGen allele CA10602790.

ClinVar aggregate classification (germline): Pathogenic (1 of 4 stars; one submission).

Submission:

GeneDx
Classification: Pathogenic. Last evaluated: 2016-10-11. Review status: criteria provided, single submitter. Criteria: GeneDx Variant Classification (06012015). Collection method: clinical testing. Allele origin: germline. Affected: yes.
Comment: The c.2988+1G>A variant in the ARID1A gene has not been reported previously as a pathogenic variant nor as a benign variant, to our knowledge. This splice site variant destroys the canonical splice donor site in intron 10. It is predicted to cause abnormal gene splicing, either leading to an abnormal message that is subject to nonsense-mediated mRNA decay, or to an abnormal protein product if the message is used for protein translation. The c.2988+1G>A variant was not observed in approximately 6500 individuals of European and African American ancestry in the NHLBI Exome Sequencing Project, indicating it is not a common benign variant in these populations. We interpret c.2988+1G>A as a pathogenic variant consistent with a diagnosis of Coffin-Siris syndrome